The following is an entry in ClinVar:

NM_031407.7(HUWE1):c.7667A>G (p.Asn2556Ser)

Gene: HUWE1 (HECT, UBA and WWE domain containing E3 ubiquitin protein ligase 1; minus strand). Cytogenetic location: Xp11.22.
Variant type: single nucleotide variant.
Coding change: c.7667A>G on transcript NM_031407.7 (MANE Select); coding-DNA position 7667, A replaced by G.
Protein change: p.Asn2556Ser; replaces asparagine 2556 with serine.
Molecular consequence: missense variant.
Genome position (GRCh38, 1-based): chrX:53,560,257, T>C on the plus strand (A>G on the coding strand, the complement: HUWE1 is on the minus strand). VCF-style: chrX-53560257-T-C. GRCh37 (hg19) VCF-style: chrX-53587218-T-C.
Other names: short protein forms N2556S.
Identifiers: ClinVar variation 2634930 (VCV002634930.2), dbSNP rs2523918407, ClinGen allele CA413154866.

ClinVar aggregate classification (germline): Uncertain significance. Review status: criteria provided, multiple submitters, no conflicts (2 of 4 stars). 2 submissions from 2 submitters: Uncertain significance (2). Last evaluated 2025-11-05.

Conditions:
HUWE1-related disorder. Also called: HUWE1-related condition.

Submissions (2):

Labcorp Genetics (formerly Invitae), Labcorp
Classification: Uncertain significance. Last evaluated: 2025-11-05. Review status: criteria provided, single submitter. Criteria: Invitae Variant Classification Sherloc (09022015). Collection method: clinical testing. Allele origin: germline.
Comment: This sequence change replaces asparagine, which is neutral and polar, with serine, which is neutral and polar, at codon 2556 of the HUWE1 protein (p.Asn2556Ser). This variant is not present in population databases (gnomAD no frequency). This variant has not been reported in the literature in individuals affected with HUWE1-related conditions. ClinVar contains an entry for this variant (Variation ID: 2634930). Invitae Evidence Modeling of protein sequence and biophysical properties (such as structural, functional, and spatial information, amino acid conservation, physicochemical variation, residue mobility, and thermodynamic stability) has been performed for this missense variant. However, the output from this modeling did not meet the statistical confidence thresholds required to predict the impact of this variant on HUWE1 protein function. In summary, the available evidence is currently insufficient to determine the role of this variant in disease. Therefore, it has been classified as a Variant of Uncertain Significance.

PreventionGenetics, part of Exact Sciences
Classification: Uncertain significance for HUWE1-related condition. Last evaluated: 2022-10-12. Review status: criteria provided, single submitter. Criteria: ACMG Guidelines, 2015. Collection method: clinical testing. Allele origin: germline.
Comment: The HUWE1 c.7667A>G variant is predicted to result in the amino acid substitution p.Asn2556Ser. To our knowledge, this variant has not been reported in the literature or in a large population database, indicating this variant is rare. At this time, the clinical significance of this variant is uncertain due to the absence of conclusive functional and genetic evidence.